The following is an entry in ClinVar:

ClinVar aggregate classification (germline): Uncertain significance (1 of 4 stars; one submission).

Conditions:
Combined immunodeficiency due to OX40 deficiency. Also called: Immunodeficiency 16; OX40 DEFICIENCY. Identifiers: Orphanet 431149, MedGen C3810053, MONDO:0014268, OMIM 615593.

Submission:

Labcorp Genetics (formerly Invitae), Labcorp
Classification: Uncertain significance for Combined immunodeficiency due to OX40 deficiency. Last evaluated: 2025-03-31. Review status: criteria provided, single submitter. Criteria: Invitae Variant Classification Sherloc (09022015). Collection method: clinical testing. Allele origin: germline.
Comment: This sequence change creates a premature translational stop signal (p.Cys128*) in the TNFRSF4 gene. It is expected to result in an absent or disrupted protein product. However, the current clinical and genetic evidence is not sufficient to establish whether loss-of-function variants in TNFRSF4 cause disease. This variant is not present in population databases (gnomAD no frequency). This variant has not been reported in the literature in individuals affected with TNFRSF4-related conditions. In summary, the available evidence is currently insufficient to determine the role of this variant in disease. Therefore, it has been classified as a Variant of Uncertain Significance.

NM_003327.4(TNFRSF4):c.384C>A (p.Cys128Ter)

Gene: TNFRSF4 (TNF receptor superfamily member 4; minus strand). Cytogenetic location: 1p36.33.
Variant type: single nucleotide variant.
Coding change: c.384C>A on transcript NM_003327.4 (MANE Select); coding-DNA position 384, C replaced by A.
Protein change: p.Cys128Ter; replaces cysteine 128 with a stop codon.
Molecular consequence: nonsense.
Genome position (GRCh38, 1-based): chr1:1,212,691, G>T on the plus strand (C>A on the coding strand, the complement: TNFRSF4 is on the minus strand). VCF-style: chr1-1212691-G-T. GRCh37 (hg19) VCF-style: chr1-1148071-G-T.
Other names: c.384C>A, p.Cys128Ter (NM_001410709.1); short protein forms C128*.
Identifiers: ClinVar variation 4713205 (VCV004713205.1).